The following is an entry in ClinVar:

NM_032043.3(BRIP1):c.2436T>C (p.Pro812=)

Gene: BRIP1 (BRCA1 interacting DNA helicase 1; minus strand). Cytogenetic location: 17q23.2.
Variant type: single nucleotide variant.
Coding change: c.2436T>C on transcript NM_032043.3 (MANE Select); coding-DNA position 2436, T replaced by C.
Protein change: p.Pro812=; no amino-acid change (proline 812 retained).
Molecular consequence: synonymous variant.
Genome position (GRCh38, 1-based): chr17:61,716,007, A>G on the plus strand (T>C on the coding strand, the complement: BRIP1 is on the minus strand). VCF-style: chr17-61716007-A-G. GRCh37 (hg19) VCF-style: chr17-59793368-A-G.
Identifiers: ClinVar variation 3058295 (VCV003058295.3), dbSNP rs2061854737, ClinGen allele CA501150514.

ClinVar aggregate classification (germline): Likely benign. Review status: criteria provided, single submitter (1 of 4 stars). 2 submissions from 2 submitters: Likely benign (1). 1 of the submissions does not count toward it. Last evaluated 2025-03-31.

Conditions:
BRIP1-related disorder. Also called: BRIP1-related condition; BRIP1-related disorders. Identifiers: MedGen CN239206.
Familial cancer of breast. Also called: Hereditary breast cancer; hereditary breast carcinoma; BREAST CANCER, FAMILIAL. Identifiers: Orphanet 227535, MedGen C0346153, MONDO:0016419, OMIM 114480. Disease mechanism: loss of function.
Fanconi anemia complementation group J. Also called: BRIP1-Related Fanconi Anemia. Identifiers: Orphanet 84, MedGen C1836860, MONDO:0012187, OMIM 609054.

Submissions (2):

Labcorp Genetics (formerly Invitae), Labcorp
Classification: Likely benign for Familial cancer of breast; Fanconi anemia complementation group J. Last evaluated: 2025-03-31. Review status: criteria provided, single submitter. Criteria: Invitae Variant Classification Sherloc (09022015). Collection method: clinical testing. Allele origin: germline.

PreventionGenetics, part of Exact Sciences
Classification: Likely benign for BRIP1-related condition. Last evaluated: 2021-12-02. Review status: no assertion criteria provided. Collection method: clinical testing. Allele origin: germline. Not counted in ClinVar's aggregate classification.
Comment: This variant is classified as likely benign based on ACMG/AMP sequence variant interpretation guidelines (Richards et al. 2015 PMID: 25741868, with internal and published modifications).